The following is an entry in ClinVar:

ClinVar aggregate classification (germline): Uncertain significance. Review status: criteria provided, multiple submitters, no conflicts (2 of 4 stars). 5 submissions from 5 submitters: Uncertain significance (4). 1 of the submissions does not count toward it. Last evaluated 2025-10-28.

Conditions:
Inborn genetic diseases. Identifiers: MedGen C0950123, MeSH D030342.
BBS7-related disorder. Also called: BBS7-related condition.
Bardet-Biedl syndrome 7 (BBS7). Identifiers: Orphanet 110, MedGen C1859565, MONDO:0014435, OMIM 615984.
Bardet-Biedl syndrome (BBS). Identifiers: Orphanet 110, MedGen C0752166, MONDO:0015229.

Allele frequency attached by ClinVar (database versions not stated): gnomAD 0.00001.
gnomAD v4.1: 51 of 1,613,588 alleles (0.0032%); highest among the groups gnomAD compares: Non-Finnish European, 0.004%; no homozygotes.

Submissions (5):

Ambry Genetics
Classification: Uncertain significance for Inborn genetic diseases. Last evaluated: 2025-10-28. Review status: criteria provided, single submitter. Criteria: Ambry Variant Classification Scheme 2023. Collection method: clinical testing. Allele origin: germline.

Blueprint Genetics
Classification: Uncertain significance. Last evaluated: 2024-07-15. Review status: criteria provided, single submitter. Criteria: ACMG Guidelines, 2015. Collection method: clinical testing. Allele origin: germline.

Fulgent Genetics
Classification: Uncertain significance for Bardet-Biedl syndrome 7. Last evaluated: 2024-01-04. Review status: criteria provided, single submitter. Criteria: ACMG Guidelines, 2015. Collection method: clinical testing. Allele origin: germline.

Labcorp Genetics (formerly Invitae), Labcorp
Classification: Uncertain significance for Bardet-Biedl syndrome. Last evaluated: 2022-03-05. Review status: criteria provided, single submitter. Criteria: Invitae Variant Classification Sherloc (09022015). Collection method: clinical testing. Allele origin: germline.
Comment: This sequence change replaces histidine, which is basic and polar, with tyrosine, which is neutral and polar, at codon 131 of the BBS7 protein (p.His131Tyr). This variant is present in population databases (no rsID available, gnomAD 0.0009%). This variant has not been reported in the literature in individuals affected with BBS7-related conditions. Algorithms developed to predict the effect of missense changes on protein structure and function (SIFT, PolyPhen-2, Align-GVGD) all suggest that this variant is likely to be disruptive. In summary, the available evidence is currently insufficient to determine the role of this variant in disease. Therefore, it has been classified as a Variant of Uncertain Significance.

PreventionGenetics, part of Exact Sciences
Classification: Uncertain significance for BBS7-related condition. Last evaluated: 2024-03-23. Review status: no assertion criteria provided. Collection method: clinical testing. Allele origin: germline. Not counted in ClinVar's aggregate classification.
Comment: The BBS7 c.391C>T variant is predicted to result in the amino acid substitution p.His131Tyr. This variant was reported in an individual with myelomeningocele although a second variant was not identified (Au et al 2021. PubMed ID: 33574475). This variant is reported in 0.00088% of alleles in individuals of European (Non-Finnish) descent in gnomAD. At this time, the clinical significance of this variant is uncertain due to the absence of conclusive functional and genetic evidence.

NM_176824.3(BBS7):c.391C>T (p.His131Tyr)

Gene: BBS7 (Bardet-Biedl syndrome 7; minus strand). Cytogenetic location: 4q27.
Variant type: single nucleotide variant.
Coding change: c.391C>T on transcript NM_176824.3 (MANE Select); coding-DNA position 391, C replaced by T.
Protein change: p.His131Tyr; replaces histidine 131 with tyrosine.
Molecular consequence: missense variant.
Genome position (GRCh38, 1-based): chr4:121,859,129, G>A on the plus strand (C>T on the coding strand, the complement: BBS7 is on the minus strand). VCF-style: chr4-121859129-G-A. GRCh37 (hg19) VCF-style: chr4-122780284-G-A.
Other names: c.391C>T (NM_176824.2); c.391C>T, p.His131Tyr (NM_018190.4); short protein forms H131Y.
Identifiers: ClinVar variation 1928372 (VCV001928372.6), dbSNP rs772922826, ClinGen allele CA358043321.
Genomic context (GRCh38, chr4:121,859,129, plus strand): 5'-TCACATCATTGATTTTATCCCCAGAAAGGTAATAATGTTGGTCTTTGCAGTCACAATAAT[G>A]GTTATAGATGTAACTTGCACTGAGAAAGAGGTCTGAGCCAGATATGTGCCTGAGAACATT-3'
Protein context (NP_789794.1, residues 121-141): LFLSASYIYN[His131Tyr]YCDCKDQHYY